The following is an entry in ClinVar:

ClinVar aggregate classification (germline): Likely benign (1 of 4 stars; one submission).

Allele frequency attached by ClinVar (database versions not stated): gnomAD exomes below 0.00001.
gnomAD v4.1: 2 of 1,612,432 alleles (0.00012%); highest among the groups gnomAD compares: Non-Finnish European, 0.00017%; no homozygotes.

Submission:

CeGaT Center for Human Genetics Tuebingen
Classification: Likely benign. Last evaluated: 2023-04-01. Review status: criteria provided, single submitter. Criteria: CeGaT Center For Human Genetics Tuebingen Variant Classification Criteria Version 2. Collection method: clinical testing. Allele origin: germline. Affected: yes. Observed: 1 variant allele.
Comment: TPR: PM2:Supporting, BP4, BP7

NM_003292.3(TPR):c.2175T>C (p.Tyr725=)

Gene: TPR (translocated promoter region, nuclear basket protein; minus strand). Cytogenetic location: 1q31.1.
Variant type: single nucleotide variant.
Coding change: c.2175T>C on transcript NM_003292.3 (MANE Select); coding-DNA position 2175, T replaced by C.
Protein change: p.Tyr725=; no amino-acid change (tyrosine 725 retained).
Molecular consequence: synonymous variant.
Genome position (GRCh38, 1-based): chr1:186,353,847, A>G on the plus strand (T>C on the coding strand, the complement: TPR is on the minus strand). VCF-style: chr1-186353847-A-G. GRCh37 (hg19) VCF-style: chr1-186322979-A-G.
Identifiers: ClinVar variation 2639668 (VCV002639668.24), dbSNP rs1658945615, ClinGen allele CA422341506.